The following is an entry in ClinVar:

ClinVar aggregate classification (germline): Uncertain significance (1 of 4 stars; one submission).

Conditions:
Familial adenomatous polyposis 1 (FAP1). Also called: FAMILIAL ADENOMATOUS POLYPOSIS 1, ATTENUATED; POLYPOSIS, ADENOMATOUS INTESTINAL. Identifiers: MedGen C2713442, MONDO:0021056, OMIM 175100. Disease mechanism: loss of function.

Submission:

Labcorp Genetics (formerly Invitae), Labcorp
Classification: Uncertain significance for Familial adenomatous polyposis 1. Last evaluated: 2022-01-07. Review status: criteria provided, single submitter. Criteria: Invitae Variant Classification Sherloc (09022015). Collection method: clinical testing. Allele origin: germline.
Comment: This variant occurs in a non-coding region of the APC gene. It does not change the encoded amino acid sequence of the APC protein. In summary, the available evidence is currently insufficient to determine the role of this variant in disease. Therefore, it has been classified as a Variant of Uncertain Significance. Experimental studies and prediction algorithms are not available or were not evaluated, and the functional significance of this variant is currently unknown. This variant has not been reported in the literature in individuals affected with APC-related conditions. This variant is not present in population databases (gnomAD no frequency).

NM_001127511.3(APC):c.97_112del (p.Cys33fs)

Gene: APC (APC regulator of Wnt signaling pathway; plus strand). Cytogenetic location: 5q22.2.
Variant type: Deletion.
Coding change: c.97_112del on transcript NM_001127511.3; coding-DNA positions 97 to 112, 16 bases deleted (TGCGTCCGGCAGGAGA).
Protein change: p.Cys33fs; shifts the reading frame from cysteine 33.
Molecular consequence: frameshift variant. On other transcripts: 5 prime UTR variant (8), non-coding transcript variant (1), intron variant (5).
Genome position (GRCh38, 1-based): chr5:112,707,814-112,707,829, TGCGTCCGGCAGGAGA deleted. VCF-style (leftmost placement, unchanged base first): chr5-112707813-CTGCGTCCGGCAGGAGA-C. GRCh37 (hg19) VCF-style: chr5-112043510-CTGCGTCCGGCAGGAGA-C.
Other names: c.-87_-72del (NM_001354895.2, NM_001407447.1, NM_001407452.1 and 3 more transcripts); c.97_112del, p.Cys33fs (NM_001354897.2, NM_001354902.2, NM_001407446.1); c.-1122_-1107del (NM_001407470.1, NM_001407472.1); c.-19+165_-19+180del (NM_001407448.1, NM_001407450.1, NM_001407457.1 and 1 more transcripts); c.-43+165_-43+180del (NM_001407453.1); short protein forms C33fs.
Identifiers: ClinVar variation 1054334 (VCV001054334.9), dbSNP rs2149631016, ClinGen allele CA2499217407.